The following is an entry in ClinVar:

Conditions:
Breast-ovarian cancer, familial, susceptibility to, 1 (BROVCA1). Also called: BRCA1 Hereditary Breast and Ovarian Cancer; OVARIAN CANCER, SUSCEPTIBILITY TO. Identifiers: Orphanet 145, MedGen C2676676, MONDO:0011450, OMIM 604370. Disease mechanism: loss of function.

Submission:

Brotman Baty Institute, University of Washington
No classification provided (evidence only). Condition: Breast-ovarian cancer, familial 1. Review status: no classification provided. Collection method: in vitro. Allele origin: not applicable. Functional consequence: functionally_normal.
ClinVar note: "not provided" was previously submitted as the classification for the variant. However, the classification appeared to be based only on an observation of functional data so it was converted to no classification on 2025-07-30.

NM_007294.4(BRCA1):c.5333-4T>G

Gene: BRCA1 (BRCA1 DNA repair associated; minus strand). Cytogenetic location: 17q21.31.
Variant type: single nucleotide variant.
Coding change: c.5333-4T>G on transcript NM_007294.4 (MANE Select); 4 bases into the intron before coding-DNA position 5333, T replaced by G.
Molecular consequence: intron variant.
Genome position (GRCh38, 1-based): chr17:43,049,198, A>C on the plus strand (T>G on the coding strand, the complement: BRCA1 is on the minus strand). VCF-style: chr17-43049198-A-C. GRCh37 (hg19) VCF-style: chr17-41201215-A-C.
Other names: c.1880-4T>G (NM_001408458.1, NM_001408461.1, NM_001408464.1 and 7 more transcripts); c.4442-4T>G (NM_001407967.1); c.4952-4T>G (NM_001407959.1); c.5066-4T>G (NM_001407931.1, NM_001407932.1, NM_001407928.1 and 4 more transcripts); c.5189-4T>G (NM_001407747.1, NM_001407745.1, NM_001407737.1 and 18 more transcripts); c.4949-4T>G (NM_001407962.1, NM_001407960.1); c.1520-4T>G (NM_001408512.1); c.1643-4T>G (NM_001408510.1); and 84 more.
Identifiers: ClinVar variation 868343 (VCV000868343.3), dbSNP rs2051098272, ClinGen allele CA916080886.